The following is an entry in ClinVar:

ClinVar aggregate classification (germline): Benign/Likely benign. Review status: criteria provided, multiple submitters, no conflicts (2 of 4 stars). 9 submissions from 9 submitters: Benign (3); Likely benign (3). 3 of the submissions do not count toward it. Last evaluated 2026-04-13.

Conditions:
MYOT-related disorder. Also called: MYOT-related condition.
Myofibrillar myopathy 3 (MFM3). Also called: Muscular dystrophy, proximal, type 1A; Autosomal dominant spheroid body myopathy. Identifiers: Orphanet 266, Orphanet 268129, MedGen C3714934, MONDO:0012215, OMIM 609200.

Allele frequency attached by ClinVar (database versions not stated): gnomAD exomes 0.00020 and 0.00068; TOPMed 0.00030; gnomAD 0.00052 and 0.00028; 1000 Genomes Project 30x 0.00281; 1000 Genomes Project 0.00319; ExAC 0.00073.

Submissions (9):

Women's Health and Genetics/Laboratory Corporation of America, LabCorp
Classification: Likely benign. Last evaluated: 2026-04-13. Review status: criteria provided, single submitter. Criteria: LabCorp Variant Classification Summary - May 2015. Collection method: clinical testing. Allele origin: germline.

Labcorp Genetics (formerly Invitae), Labcorp
Classification: Benign for Myofibrillar myopathy 3. Last evaluated: 2025-12-17. Review status: criteria provided, single submitter. Criteria: Invitae Variant Classification Sherloc (09022015). Collection method: clinical testing. Allele origin: germline.

Blueprint Genetics
Classification: Likely benign. Last evaluated: 2024-09-10. Review status: criteria provided, single submitter. Criteria: ACMG Guidelines, 2015. Collection method: clinical testing. Allele origin: germline.

GeneDx
Classification: Likely benign. Last evaluated: 2022-01-18. Review status: criteria provided, single submitter. Criteria: GeneDx Variant Classification Process June 2021. Collection method: clinical testing. Allele origin: germline. Affected: yes.

Illumina Laboratory Services, Illumina
Classification: Benign for Myofibrillar myopathy 3. Last evaluated: 2018-01-12. Review status: criteria provided, single submitter. Criteria: ICSL Variant Classification Criteria 13 December 2019. Collection method: clinical testing. Allele origin: germline.
Comment: This variant was observed in the ICSL laboratory as part of a predisposition screen in an ostensibly healthy population. It had not been previously curated by ICSL or reported in the Human Gene Mutation Database (HGMD: prior to June 1st, 2018), and was therefore a candidate for classification through an automated scoring system. Utilizing variant allele frequency, disease prevalence and penetrance estimates, and inheritance mode, an automated score was calculated to assess if this variant is too frequent to cause the disease. Based on the score and internal cut-off values, a variant classified as benign is not then subjected to further curation. The score for this variant resulted in a classification of benign for this disease.

Eurofins Ntd Llc (ga)
Classification: Benign. Last evaluated: 2015-10-22. Review status: criteria provided, single submitter. Criteria: EGL Classification Definitions 2015. Collection method: clinical testing. Allele origin: germline. Observed: 2 variant alleles, 2 heterozygotes.

PreventionGenetics, part of Exact Sciences
Classification: Likely benign for MYOT-related condition. Last evaluated: 2021-08-10. Review status: no assertion criteria provided. Collection method: clinical testing. Allele origin: germline. Not counted in ClinVar's aggregate classification.
Comment: This variant is classified as likely benign based on ACMG/AMP sequence variant interpretation guidelines (Richards et al. 2015 PMID: 25741868, with internal and published modifications).

Genome Diagnostics Laboratory, University Medical Center Utrecht
Classification: Likely benign. Review status: no assertion criteria provided. Collection method: clinical testing. Allele origin: germline. Affected: yes. Study: VKGL Data-share Consensus. Not counted in ClinVar's aggregate classification.

Laboratory of Diagnostic Genome Analysis, Leiden University Medical Center (LUMC)
Classification: Likely benign. Review status: no assertion criteria provided. Collection method: clinical testing. Allele origin: germline. Affected: yes. Study: VKGL Data-share Consensus. Not counted in ClinVar's aggregate classification.

NM_006790.3(MYOT):c.617G>A (p.Gly206Asp)

Genes: MYOT (myotilin; plus strand), PKD2L2-DT (PKD2L2 divergent transcript; minus strand). Cytogenetic location: 5q31.2.
Variant type: single nucleotide variant.
Coding change: c.617G>A on transcript NM_006790.3 (MANE Select); coding-DNA position 617, G replaced by A.
Protein change: p.Gly206Asp; replaces glycine 206 with aspartic acid.
Molecular consequence: missense variant.
Genome position (GRCh38, 1-based): chr5:137,877,605, G>A. VCF-style: chr5-137877605-G-A. GRCh37 (hg19) VCF-style: chr5-137213294-G-A.
Other names: c.65G>A, p.Gly22Asp (NM_001135940.2); c.272G>A, p.Gly91Asp (NM_001300911.2); short protein forms G91D, G22D.
Identifiers: ClinVar variation 95441 (VCV000095441.28), dbSNP rs151094883, ClinGen allele CA222981.